The following is an entry in ClinVar:

NM_001017915.3(INPP5D):c.427G>C (p.Val143Leu)

Gene: INPP5D (inositol polyphosphate-5-phosphatase D; plus strand). Cytogenetic location: 2q37.1.
Variant type: single nucleotide variant.
Coding change: c.427G>C on transcript NM_001017915.3 (MANE Select); coding-DNA position 427, G replaced by C.
Protein change: p.Val143Leu; replaces valine 143 with leucine.
Molecular consequence: missense variant.
Genome position (GRCh38, 1-based): chr2:233,125,822, G>C. VCF-style: chr2-233125822-G-C. GRCh37 (hg19) VCF-style: chr2-233990532-G-C.
Other names: c.424G>C, p.Val142Leu (NM_005541.5); short protein forms V142L, V143L.
Identifiers: ClinVar variation 3286091 (VCV003286091.1).
Genomic context (GRCh38, chr2:233,125,822, plus strand): 5'-CCACCCGAGCTGCCCCCAAGAAACATCCCGCTGACTGCCAGCTCCTGTGAGGCCAAGGAG[G>C]TTCCTTTTTCAAACGAGAATCCCCGAGCGACCGAGACCAGCCGGCCGAGCCTCTCCGAGA-3'
Protein context (NP_001017915.1, residues 133-153): LTASSCEAKE[Val143Leu]PFSNENPRAT

ClinVar aggregate classification (germline): Uncertain significance (1 of 4 stars; one submission).

gnomAD v4.1: 13 of 1,613,908 alleles (0.00081%); highest among the groups gnomAD compares: Non-Finnish European, 0.001%; no homozygotes.

Submission:

Ambry Genetics
Classification: Uncertain significance. Last evaluated: 2024-04-27. Review status: criteria provided, single submitter. Criteria: Ambry Variant Classification Scheme 2023. Collection method: clinical testing. Allele origin: germline.
Comment: The c.427G>C (p.V143L) alteration is located in exon (coding exon ) of the INPP5D gene. This alteration results from a G to C substitution at nucleotide position 427, causing the valine (V) at amino acid position 143 to be replaced by a leucine (L). Based on insufficient or conflicting evidence, the clinical significance of this alteration remains unclear.